The following is an entry in ClinVar:

NM_032043.3(BRIP1):c.1959_1960dup (p.Gly654fs)

Gene: BRIP1 (BRCA1 interacting DNA helicase 1; minus strand). Cytogenetic location: 17q23.2.
Variant type: Duplication.
Coding change: c.1959_1960dup on transcript NM_032043.3 (MANE Select); coding-DNA positions 1959 to 1960, 2 bases duplicated (AG; older notation c.1959_1960dupAG).
Protein change: p.Gly654fs; shifts the reading frame from glycine 654.
Molecular consequence: frameshift variant.
Genome position (GRCh38, 1-based): chr17:61,776,538-61,776,539, CT duplicated on the plus strand (AG on the coding strand, the reverse complement: BRIP1 is on the minus strand). VCF-style (leftmost placement, unchanged base first): chr17-61776537-C-CCT. GRCh37 (hg19) VCF-style: chr17-59853898-C-CCT.
Other names: short protein forms G654fs.
Identifiers: ClinVar variation 1076124 (VCV001076124.8), dbSNP rs2145033356, ClinGen allele CA2499224792.
Genomic context (GRCh38, chr17:61,776,537, plus strand): 5'-TCTTGGAACTCAAATGTTTCAGTATTCTGGAAGGTAGCACAGAGATTCCGACCCTTGGGG[C>CCT]CTGACCCAATGGTACCAACCCAAACCTAGAATATGAATATGTCATTATTAGAGTTATGCC-3'

ClinVar aggregate classification (germline): Pathogenic (1 of 4 stars; one submission).

Conditions:
Fanconi anemia complementation group J. Also called: BRIP1-Related Fanconi Anemia. Identifiers: Orphanet 84, MedGen C1836860, MONDO:0012187, OMIM 609054.
Familial cancer of breast. Also called: BREAST CANCER, FAMILIAL; hereditary breast carcinoma; Hereditary breast cancer. Identifiers: Orphanet 227535, MedGen C0346153, MONDO:0016419, OMIM 114480. Disease mechanism: loss of function.

Submission:

Labcorp Genetics (formerly Invitae), Labcorp
Classification: Pathogenic for Familial cancer of breast; Fanconi anemia complementation group J. Last evaluated: 2022-03-08. Review status: criteria provided, single submitter. Criteria: Invitae Variant Classification Sherloc (09022015). Collection method: clinical testing. Allele origin: germline.
Comment: This variant is not present in population databases (gnomAD no frequency). For these reasons, this variant has been classified as Pathogenic. ClinVar contains an entry for this variant (Variation ID: 1076124). This variant has not been reported in the literature in individuals affected with BRIP1-related conditions. This sequence change creates a premature translational stop signal (p.Gly654Glufs*35) in the BRIP1 gene. It is expected to result in an absent or disrupted protein product. Loss-of-function variants in BRIP1 are known to be pathogenic (PMID: 16116423, 17033622, 21964575).

Literature cited by the submitters: PubMed 16116423; PubMed 17033622; PubMed 21964575.